The following is an entry in ClinVar:

NM_021619.3(PRDM12):c.719C>G (p.Ala240Gly)

Genes: PRDM12 (PR/SET domain 12; plus strand), LOC130002813 (ATAC-STARR-seq lymphoblastoid silent region 20403; plus strand). Cytogenetic location: 9q34.12.
Variant type: single nucleotide variant.
Coding change: c.719C>G on transcript NM_021619.3 (MANE Select); coding-DNA position 719, C replaced by G.
Protein change: p.Ala240Gly; replaces alanine 240 with glycine.
Molecular consequence: missense variant.
Genome position (GRCh38, 1-based): chr9:130,681,284, C>G. VCF-style: chr9-130681284-C-G. GRCh37 (hg19) VCF-style: chr9-133556671-C-G.
Other names: p.Ala240Gly; short protein forms A240G.
Identifiers: ClinVar variation 1757618 (VCV001757618.8), dbSNP rs1220935446, ClinGen allele CA375244508.
Genomic context (GRCh38, chr9:130,681,284, plus strand): 5'-CGCCCCGCCCCGCCCCGCGGCCAGAGGACTTCCACCCGGCGGACTCGGCGGCTGGCCCCG[C>G]GGGCCGCATGCGATGCGTCATCTGCCACCGCGGCTTCAACTCGCGCAGCAACCTGCGCTC-3'
Protein context (NP_067632.2, residues 230-250): FHPADSAAGP[Ala240Gly]GRMRCVICHR

ClinVar aggregate classification (germline): Uncertain significance. Review status: criteria provided, multiple submitters, no conflicts (2 of 4 stars). 3 submissions from 3 submitters: Uncertain significance (3). Last evaluated 2025-06-23.

Conditions:
Inborn genetic diseases. Identifiers: MedGen C0950123, MeSH D030342.
Congenital insensitivity to pain-hypohidrosis syndrome. Also called: HSAN VIII; Neuropathy, hereditary sensory and autonomic, type VIII. Identifiers: Orphanet 478664, MedGen C4225308, MONDO:0014662, OMIM 616488.

Allele frequency attached by ClinVar (database versions not stated): gnomAD 0.00001; gnomAD exomes 0.00002; TOPMed 0.00004.
gnomAD v4.1: 24 of 1,493,186 alleles (0.0016%); highest among the groups gnomAD compares: Admixed American, 0.0019%; no homozygotes.

Submissions (3):

Ambry Genetics
Classification: Uncertain significance for Inborn genetic diseases. Last evaluated: 2025-06-23. Review status: criteria provided, single submitter. Criteria: Ambry Variant Classification Scheme 2023. Collection method: clinical testing. Allele origin: germline.

Mayo Clinic Laboratories, Mayo Clinic
Classification: Uncertain significance. Last evaluated: 2025-05-18. Review status: criteria provided, single submitter. Criteria: ACMG Guidelines, 2015. Collection method: clinical testing. Allele origin: germline. Observed: 1 variant allele.
Comment: BP4_strong

Labcorp Genetics (formerly Invitae), Labcorp
Classification: Uncertain significance for Congenital insensitivity to pain-hypohidrosis syndrome. Last evaluated: 2022-11-22. Review status: criteria provided, single submitter. Criteria: Invitae Variant Classification Sherloc (09022015). Collection method: clinical testing. Allele origin: germline.
Comment: This sequence change replaces alanine, which is neutral and non-polar, with glycine, which is neutral and non-polar, at codon 240 of the PRDM12 protein (p.Ala240Gly). This variant is present in population databases (no rsID available, gnomAD 0.006%). This variant has not been reported in the literature in individuals affected with PRDM12-related conditions. Advanced modeling of protein sequence and biophysical properties (such as structural, functional, and spatial information, amino acid conservation, physicochemical variation, residue mobility, and thermodynamic stability) performed at Invitae indicates that this missense variant is not expected to disrupt PRDM12 protein function. In summary, the available evidence is currently insufficient to determine the role of this variant in disease. Therefore, it has been classified as a Variant of Uncertain Significance.